The following is an entry in ClinVar:

NM_006017.3(PROM1):c.559A>C (p.Ile187Leu)

Gene: PROM1 (prominin 1; minus strand). Cytogenetic location: 4p15.32.
Variant type: single nucleotide variant.
Coding change: c.559A>C on transcript NM_006017.3 (MANE Select); coding-DNA position 559, A replaced by C.
Protein change: p.Ile187Leu; replaces isoleucine 187 with leucine.
Molecular consequence: missense variant.
Genome position (GRCh38, 1-based): chr4:16,025,263, T>G on the plus strand (A>C on the coding strand, the complement: PROM1 is on the minus strand). VCF-style: chr4-16025263-T-G. GRCh37 (hg19) VCF-style: chr4-16026886-T-G.
Other names: c.532A>C, p.Ile178Leu (NM_001145847.2, NM_001145848.2, NM_001145851.2 and 4 more transcripts); c.559A>C, p.Ile187Leu (NM_001145849.2, NM_001145850.2); short protein forms I178L, I187L.
Identifiers: ClinVar variation 3622694 (VCV003622694.2).

ClinVar aggregate classification (germline): Uncertain significance (1 of 4 stars; one submission).

gnomAD v4.1: 4 of 1,613,830 alleles (0.00025%); highest among the groups gnomAD compares: Non-Finnish European, 0.00034%; no homozygotes.

Submission:

Labcorp Genetics (formerly Invitae), Labcorp
Classification: Uncertain significance. Last evaluated: 2024-11-11. Review status: criteria provided, single submitter. Criteria: Invitae Variant Classification Sherloc (09022015). Collection method: clinical testing. Allele origin: germline.
Comment: This sequence change replaces isoleucine, which is neutral and non-polar, with leucine, which is neutral and non-polar, at codon 187 of the PROM1 protein (p.Ile187Leu). This variant is present in population databases (no rsID available, gnomAD 0.007%). This variant has not been reported in the literature in individuals affected with PROM1-related conditions. Invitae Evidence Modeling of protein sequence and biophysical properties (such as structural, functional, and spatial information, amino acid conservation, physicochemical variation, residue mobility, and thermodynamic stability) indicates that this missense variant is not expected to disrupt PROM1 protein function with a negative predictive value of 80%. In summary, the available evidence is currently insufficient to determine the role of this variant in disease. Therefore, it has been classified as a Variant of Uncertain Significance.